The following is an entry in ClinVar:

NM_000376.3(VDR):c.*1281G>A

Gene: VDR (vitamin D receptor; minus strand). Cytogenetic location: 12q13.11.
Variant type: single nucleotide variant.
Coding change: c.*1281G>A on transcript NM_000376.3 (MANE Select); 1281 bases downstream of the stop codon, G replaced by A.
Molecular consequence: 3 prime UTR variant.
Genome position (GRCh38, 1-based): chr12:47,843,465, C>T on the plus strand (G>A on the coding strand, the complement: VDR is on the minus strand). VCF-style: chr12-47843465-C-T. GRCh37 (hg19) VCF-style: chr12-48237248-C-T.
Other names: c.*1281G>A (NM_001017535.2, NM_001017536.2, NM_001374661.1 and 1 more transcripts); c.*1080G>A (NM_001364085.2).
Identifiers: ClinVar variation 882259 (VCV000882259.4), dbSNP rs7967673, ClinGen allele CA236504847.

ClinVar aggregate classification (germline): Likely benign (1 of 4 stars; one submission).

Conditions:
Vitamin D-dependent rickets type II with alopecia (VDDR2A). Also called: GENERALIZED RESISTANCE TO 1,25-DIHYDROXYVITAMIN D; HYPOCALCEMIC VITAMIN D-RESISTANT RICKETS; PDDR IIA; PSEUDOVITAMIN D-DEFICIENCY, TYPE IIA; RICKETS, HEREDITARY VITAMIN D-RESISTANT; RICKETS-ALOPECIA SYNDROME. Identifiers: Orphanet 93160, MedGen C0342646, MONDO:0010186, OMIM 277440.

Allele frequency attached by ClinVar (database versions not stated): gnomAD 0.02221 and 0.02377; 1000 Genomes Project 0.02336; TOPMed 0.02489; 1000 Genomes Project 30x 0.02561.

Submission:

Illumina Laboratory Services, Illumina
Classification: Likely benign for Vitamin D-dependent rickets type II with alopecia. Last evaluated: 2018-01-13. Review status: criteria provided, single submitter. Criteria: ICSL Variant Classification Criteria 13 December 2019. Collection method: clinical testing. Allele origin: germline.
Comment: This variant was observed in the ICSL laboratory as part of a predisposition screen in an ostensibly healthy population. It had not been previously curated by ICSL or reported in the Human Gene Mutation Database (HGMD: prior to June 1st, 2018), and was therefore a candidate for classification through an automated scoring system. Utilizing variant allele frequency, disease prevalence and penetrance estimates, and inheritance mode, an automated score was calculated to assess if this variant is too frequent to cause the disease. Based on the score and internal cut-off values, a variant classified as likely benign is not then subjected to further curation. The score for this variant resulted in a classification of likely benign for this disease.